The following is an entry in ClinVar:

NM_014845.6(FIG4):c.2065dup (p.Thr689fs)

Gene: FIG4 (FIG4 phosphoinositide 5-phosphatase; plus strand). Cytogenetic location: 6q21.
Variant type: Duplication.
Coding change: c.2065dup on transcript NM_014845.6 (MANE Select); coding-DNA position 2065, one base duplicated (A; older notation c.2065dupA).
Protein change: p.Thr689fs; shifts the reading frame from threonine 689.
Molecular consequence: frameshift variant.
Genome position (GRCh38, 1-based): chr6:109,786,418, A duplicated. VCF-style (leftmost placement, unchanged base first): chr6-109786417-T-TA. GRCh37 (hg19) VCF-style: chr6-110107620-T-TA.
Other names: short protein forms T689fs.
Identifiers: ClinVar variation 950742 (VCV000950742.10), dbSNP rs1777959239, ClinGen allele CA1139659768.

ClinVar aggregate classification (germline): Pathogenic/Likely pathogenic. Review status: criteria provided, multiple submitters, no conflicts (2 of 4 stars). 2 submissions from 2 submitters: Pathogenic (1); Likely pathogenic (1). Last evaluated 2024-11-07.

Conditions:
Charcot-Marie-Tooth disease type 4. Also called: Charcot-Marie-Tooth disease, type IV; Charcot-Marie-Tooth, Type 4. Identifiers: Orphanet 64749, MedGen C4082197, MONDO:0018995.
FIG4-related disorder. Also called: FIG4-related disorders; FIG4-related condition.

Allele frequency attached by ClinVar (database versions not stated): gnomAD exomes below 0.00001.

Submissions (2):

Blueprint Genetics
Classification: Likely pathogenic for FIG4-related disorders. Last evaluated: 2024-11-07. Review status: criteria provided, single submitter. Criteria: ACMG Guidelines, 2015. Collection method: clinical testing. Allele origin: germline. Affected: yes. Observed: 2 variant alleles.

Labcorp Genetics (formerly Invitae), Labcorp
Classification: Pathogenic for Charcot-Marie-Tooth disease type 4. Last evaluated: 2019-04-29. Review status: criteria provided, single submitter. Criteria: Invitae Variant Classification Sherloc (09022015). Collection method: clinical testing. Allele origin: germline.
Comment: For these reasons, this variant has been classified as Pathogenic. Loss-of-function variants in FIG4 are known to be pathogenic (PMID: 23623387). This variant has been observed in an individual affected with autosomal recessive Charcot-Marie-Tooth disease type 1 (PMID: 26392352). This variant is not present in population databases (ExAC no frequency). This sequence change creates a premature translational stop signal (p.Thr689Asnfs*12) in the FIG4 gene. It is expected to result in an absent or disrupted protein product.

Literature cited by the submitters: PubMed 23623387 (cited by Labcorp Genetics (formerly Invitae), Labcorp); PubMed 26392352 (cited by Labcorp Genetics (formerly Invitae), Labcorp).